The following is an entry in ClinVar:

NM_004408.4(DNM1):c.1493+7G>A

Gene: DNM1 (dynamin 1; plus strand). Cytogenetic location: 9q34.11.
Variant type: single nucleotide variant.
Coding change: c.1493+7G>A on transcript NM_004408.4 (MANE Select); 7 bases into the intron after coding-DNA position 1493, G replaced by A.
Molecular consequence: intron variant.
Genome position (GRCh38, 1-based): chr9:128,239,522, G>A. VCF-style: chr9-128239522-G-A. GRCh37 (hg19) VCF-style: chr9-131001801-G-A.
Other names: c.1493+7G>A (NM_001005336.3, NM_001374269.1, NM_001288738.2 and 2 more transcripts).
Identifiers: ClinVar variation 2880701 (VCV002880701.3), dbSNP rs757637965, ClinGen allele CA5258180.

ClinVar aggregate classification (germline): Uncertain significance (1 of 4 stars; one submission).

Conditions:
Developmental and epileptic encephalopathy, 31A. Also called: Epileptic encephalopathy, early infantile, 31; Developmental and epileptic encephalopathy, 31. Identifiers: Orphanet 2382, MedGen C4225357, MONDO:0014598, OMIM 616346.

Allele frequency attached by ClinVar (database versions not stated): ExAC 0.00001; gnomAD exomes 0.00001; TOPMed 0.00001.
gnomAD v4.1: 9 of 1,612,586 alleles (0.00056%); highest among the groups gnomAD compares: African/African-American, 0.0013%; no homozygotes.

Submission:

Labcorp Genetics (formerly Invitae), Labcorp
Classification: Uncertain significance for Developmental and epileptic encephalopathy, 31A. Last evaluated: 2023-05-13. Review status: criteria provided, single submitter. Criteria: Invitae Variant Classification Sherloc (09022015). Collection method: clinical testing. Allele origin: germline.
Comment: This variant is present in population databases (rs757637965, gnomAD 0.0009%). This sequence change falls in intron 12 of the DNM1 gene. It does not directly change the encoded amino acid sequence of the DNM1 protein. This variant has not been reported in the literature in individuals affected with DNM1-related conditions. Algorithms developed to predict the effect of sequence changes on RNA splicing suggest that this variant may disrupt the consensus splice site. In summary, the available evidence is currently insufficient to determine the role of this variant in disease. Therefore, it has been classified as a Variant of Uncertain Significance.